The following is an entry in ClinVar:

ClinVar aggregate classification (germline): Uncertain significance. Review status: criteria provided, multiple submitters, no conflicts (2 of 4 stars). 3 submissions from 3 submitters: Uncertain significance (3). Last evaluated 2026-05-06.

Conditions:
Inborn genetic diseases. Identifiers: MedGen C0950123, MeSH D030342.
Symmetrical dyschromatosis of extremities (DSH). Also called: Dyschromatosis symmetrica hereditaria; DYSCHROMATOSIS SYMMETRICA HEREDITARIA 1; RETICULATE ACROPIGMENTATION OF DOHI; SYMMETRIC DYSCHROMATOSIS OF THE EXTREMITIES. Identifiers: Orphanet 41, MedGen C0406775, MONDO:0007483, OMIM 127400.
Aicardi-Goutieres syndrome 6 (AGS6). Identifiers: Orphanet 51, MedGen C3539013, MONDO:0014007, OMIM 615010.

gnomAD v4.1: 2 of 1,614,238 alleles (0.00012%); highest among the groups gnomAD compares: Non-Finnish European, 0.00017%; no homozygotes.

Submissions (3):

Women's Health and Genetics/Laboratory Corporation of America, LabCorp
Classification: Uncertain significance. Last evaluated: 2026-05-06. Review status: criteria provided, single submitter. Criteria: LabCorp Variant Classification Summary - May 2015. Collection method: clinical testing. Allele origin: germline.
Comment: Variant summary: ADAR c.865G>C (p.Asp289His) results in a non-conservative amino acid change in the encoded protein sequence. Algorithms developed to predict the effect of missense changes on protein structure and function are either unavailable or do not agree on the potential impact of this missense change. The variant allele was found at a frequency of 4e-06 in 251488 control chromosomes. The available data on variant occurrences in the general population are insufficient to allow any conclusion about variant significance. To our knowledge, no occurrence of c.865G>C in individuals affected with ADAR-related conditions and no experimental evidence demonstrating its impact on protein function have been reported. ClinVar contains an entry for this variant (Variation ID: 1719733). Based on the evidence outlined above, the variant was classified as uncertain significance.

Labcorp Genetics (formerly Invitae), Labcorp
Classification: Uncertain significance for Aicardi-Goutieres syndrome 6; Symmetrical dyschromatosis of extremities. Last evaluated: 2025-12-19. Review status: criteria provided, single submitter. Criteria: Invitae Variant Classification Sherloc (09022015). Collection method: clinical testing. Allele origin: germline.
Comment: This sequence change replaces aspartic acid, which is acidic and polar, with histidine, which is basic and polar, at codon 289 of the ADAR protein (p.Asp289His). This variant is present in population databases (rs372242904, gnomAD 0.0009%). This variant has not been reported in the literature in individuals affected with ADAR-related conditions. ClinVar contains an entry for this variant (Variation ID: 1719733). Invitae Evidence Modeling of protein sequence and biophysical properties (such as structural, functional, and spatial information, amino acid conservation, physicochemical variation, residue mobility, and thermodynamic stability) indicates that this missense variant is not expected to disrupt ADAR protein function with a negative predictive value of 80%. In summary, the available evidence is currently insufficient to determine the role of this variant in disease. Therefore, it has been classified as a Variant of Uncertain Significance.

Ambry Genetics
Classification: Uncertain significance for Inborn genetic diseases. Last evaluated: 2025-10-22. Review status: criteria provided, single submitter. Criteria: Ambry Variant Classification Scheme 2023. Collection method: clinical testing. Allele origin: germline.

NM_001111.5(ADAR):c.865G>C (p.Asp289His)

Gene: ADAR (adenosine deaminase RNA specific; minus strand). Cytogenetic location: 1q21.3.
Variant type: single nucleotide variant.
Coding change: c.865G>C on transcript NM_001111.5 (MANE Select); coding-DNA position 865, G replaced by C.
Protein change: p.Asp289His; replaces aspartic acid 289 with histidine.
Molecular consequence: missense variant. On other transcripts: 5 prime UTR variant (6).
Genome position (GRCh38, 1-based): chr1:154,601,777, C>G on the plus strand (G>C on the coding strand, the complement: ADAR is on the minus strand). VCF-style: chr1-154601777-C-G. GRCh37 (hg19) VCF-style: chr1-154574253-C-G.
Other names: c.865G>C (NM_001111.4); c.-21G>C (NM_001025107.3, NM_001193495.2, NM_001365046.1 and 3 more transcripts); c.892G>C, p.Asp298His (NM_001365045.1); c.865G>C, p.Asp289His (NM_015840.4, NM_015841.4); short protein forms D289H, D298H.
Identifiers: ClinVar variation 1719733 (VCV001719733.7), dbSNP rs372242904, ClinGen allele CA1131627.
Genomic context (GRCh38, chr1:154,601,777, plus strand): 5'-TGAAGAGATAGTCGCAGATTTTCTCCTTGATCTCGGCCATGTCTAAAAACTCAAGAGGAT[C>G]TTCCAAGGCAGATGTGGAGTTGCTGTCTTCAGGTTCCAAACCTGGGTCTGAGTTTGGGGA-3'
Protein context (NP_001102.3, residues 279-299): EDSNSTSALE[Asp289His]PLEFLDMAEI